The following is an entry in ClinVar:

NM_014319.5(LEMD3):c.703_704delinsTT (p.Glu235Leu)

Gene: LEMD3 (LEM domain containing 3; plus strand). Cytogenetic location: 12q14.3.
Variant type: Indel.
Coding change: c.703_704delinsTT on transcript NM_014319.5 (MANE Select); coding-DNA positions 703 to 704, GA replaced by TT.
Protein change: p.Glu235Leu; replaces glutamic acid 235 with leucine.
Molecular consequence: missense variant.
Genome position (GRCh38, 1-based): chr12:65,170,299-65,170,300, GA replaced by TT. VCF-style: chr12-65170299-GA-TT. GRCh37 (hg19) VCF-style: chr12-65564079-GA-TT.
Other names: c.703_704delinsTT, p.Glu235Leu (NM_001167614.2); short protein forms E235L.
Identifiers: ClinVar variation 4716063 (VCV004716063.1).

ClinVar aggregate classification (germline): Uncertain significance (1 of 4 stars; one submission).

Submission:

Labcorp Genetics (formerly Invitae), Labcorp
Classification: Uncertain significance. Last evaluated: 2025-08-30. Review status: criteria provided, single submitter. Criteria: Invitae Variant Classification Sherloc (09022015). Collection method: clinical testing. Allele origin: germline.
Comment: This sequence change replaces glutamic acid, which is acidic and polar, with leucine, which is neutral and non-polar, at codon 235 of the LEMD3 protein (p.Glu235Leu). Information on the frequency of this variant in the gnomAD database is not available, as this variant may be reported differently in the database. This variant has not been reported in the literature in individuals affected with LEMD3-related conditions. An algorithm developed to predict the effect of missense changes on protein structure and function (PolyPhen-2) suggests that this variant is likely to be tolerated. In summary, the available evidence is currently insufficient to determine the role of this variant in disease. Therefore, it has been classified as a Variant of Uncertain Significance.